The following is an entry in ClinVar:

NM_005055.5(RAPSN):c.451_454delinsTGCTGCTG (p.Arg151_Tyr152delinsCysCysTer)

Gene: RAPSN (receptor associated protein of the synapse; minus strand). Cytogenetic location: 11p11.2.
Variant type: Indel.
Coding change: c.451_454delinsTGCTGCTG on transcript NM_005055.5 (MANE Select); coding-DNA positions 451 to 454, CGCT replaced by TGCTGCTG.
Protein change: p.Arg151_Tyr152delinsCysCysTer.
Molecular consequence: nonsense. On other transcripts: intron variant (1).
Genome position (GRCh38, 1-based): chr11:47,447,889-47,447,892, AGCG replaced by CAGCAGCA on the plus strand (CGCT replaced by TGCTGCTG on the coding strand, the reverse complement: RAPSN is on the minus strand). VCF-style: chr11-47447889-AGCG-CAGCAGCA. GRCh37 (hg19) VCF-style: chr11-47469441-AGCG-CAGCAGCA.
Other names: c.451_454delinsTGCTGCTG, p.Arg151_Tyr152delinsCysCysTer (NM_001440490.1, NM_001440491.1, NM_001440492.1 and 12 more transcripts); c.192+881_192+884delinsTGCTGCTG (NM_001440504.1).
Identifiers: ClinVar variation 5010538 (VCV005010538.1).
Genomic context (GRCh38, chr11:47,447,889, plus strand): 5'-AGCTGCCCAGGCTGCAGCACACGCGGCACTCGAGCATGGCGTCATCATTGTTGTGGGCAT[AGCG>CAGCAGCA]CAGGGCCTTCTCGAAGCTCTCCAGGGCCTTCTGGAAGACGCTGAGGCCCAGGAAGGCATT-3'

ClinVar aggregate classification (germline): Pathogenic (1 of 4 stars; one submission).

Conditions:
RAPSN-related disorder. Also called: RAPSN-related condition; RAPSN-related disorders. Identifiers: MedGen CN239397.

Submission:

Myriad Genetics, Inc.
Classification: Pathogenic for RAPSN-related disorder. Last evaluated: 2024-05-14. Review status: criteria provided, single submitter. Criteria: Myriad Autosomal Dominant, Autosomal Recessive and X-Linked Classification Criteria (2023). Collection method: clinical testing. Allele origin: unknown.
Comment: NM_005055.4(RAPSN):c.451_454del4ins8(R151Cfs*3) is expected to be pathogenic in the context of RAPSN-related disorders. This variant is predicted to lead to an abnormal or absent protein product due to the creation of a premature termination codon in RAPSN, a gene where loss-of-function variants are known to be pathogenic. Please note: this variant was assessed in the context of healthy population screening.